The following is an entry in ClinVar:

NM_138694.4(PKHD1):c.7062del (p.Ala2355fs)

Gene: PKHD1 (PKHD1 ciliary IPT domain containing fibrocystin/polyductin; minus strand). Cytogenetic location: 6p12.2.
Variant type: Deletion.
Coding change: c.7062del on transcript NM_138694.4 (MANE Select); coding-DNA position 7062, one base deleted (A; older notation c.7062delA).
Protein change: p.Ala2355fs; shifts the reading frame from alanine 2355.
Molecular consequence: frameshift variant.
Genome position (GRCh38, 1-based): chr6:51,887,180, T deleted on the plus strand (A on the coding strand, the reverse complement: PKHD1 is on the minus strand); the first of 2 consecutive T bases (chr6:51,887,180-51,887,181); deleting either gives the same sequence. VCF-style (leftmost placement, unchanged base first): chr6-51887179-CT-C. GRCh37 (hg19) VCF-style: chr6-51751977-CT-C.
Other names: c.7062del (NM_138694.3, NM_170724.2); c.7062del, p.Ala2355fs (NM_170724.3); short protein forms A2355fs.
Identifiers: ClinVar variation 813378 (VCV000813378.10), dbSNP rs1583203255, ClinGen allele CA915944284.

ClinVar aggregate classification (germline): Pathogenic. Review status: criteria provided, multiple submitters, no conflicts (2 of 4 stars). 3 submissions from 3 submitters: Pathogenic (3). Last evaluated 2024-08-16.

Conditions:
Autosomal recessive polycystic kidney disease (ARPKD). Also called: AR polycystic kidney disease. Identifiers: Orphanet 731, Orphanet 8378, MedGen C0085548, MeSH D017044, MONDO:0009889.

Submissions (3):

Natera, Inc.
Classification: Pathogenic for Autosomal recessive polycystic kidney disease. Last evaluated: 2024-08-16. Review status: criteria provided, single submitter. Criteria: Natera Variant Classification Schema (03/2026). Collection method: clinical testing. Allele origin: germline.
Comment: The c.7062del variant in PKHD1 is a frameshift variant predicted to shift the reading frame beginning at codon 2355 and leads to a stop codon 60 codons downstream. This variant is expected to result in nonsense mediated decay, truncation, or a dysfunctional protein product. This variant is rare in the general population with a frequency below the threshold expected for the associated phenotype(s). This variant has been observed in one or more individuals affected with the associated recessive disease, as either homozygous or compound heterozygous with a second variant (PMID: 23582048). Given the available evidence, this variant is classified as Pathogenic.

Labcorp Genetics (formerly Invitae), Labcorp
Classification: Pathogenic for Autosomal recessive polycystic kidney disease. Last evaluated: 2021-09-24. Review status: criteria provided, single submitter. Criteria: Invitae Variant Classification Sherloc (09022015). Collection method: clinical testing. Allele origin: germline.
Comment: ClinVar contains an entry for this variant (Variation ID: 813378). For these reasons, this variant has been classified as Pathogenic. This premature translational stop signal has been observed in individual(s) with clinical features of polycystic kidney disease (PMID: 23582048). This variant is not present in population databases (ExAC no frequency). This sequence change creates a premature translational stop signal (p.Ala2355Leufs*60) in the PKHD1 gene. It is expected to result in an absent or disrupted protein product. Loss-of-function variants in PKHD1 are known to be pathogenic (PMID: 19940839).

Baylor Genetics
Classification: Pathogenic for Polycystic kidney disease 4. Review status: criteria provided, single submitter. Criteria: ACMG Guidelines, 2015. Collection method: clinical testing. Allele origin: germline.

Literature cited by the submitters: PubMed 23582048 (cited by Natera, Inc. and Labcorp Genetics (formerly Invitae), Labcorp); PubMed 19940839 (cited by Labcorp Genetics (formerly Invitae), Labcorp).